The following is an entry in ClinVar:

ClinVar aggregate classification (germline): Pathogenic/Likely pathogenic. Review status: criteria provided, multiple submitters, no conflicts (2 of 4 stars). 2 submissions from 2 submitters: Pathogenic (1); Likely pathogenic (1). Last evaluated 2023-10-28.

Conditions:
Familial adenomatous polyposis 1 (FAP1). Also called: FAMILIAL ADENOMATOUS POLYPOSIS 1, ATTENUATED; POLYPOSIS, ADENOMATOUS INTESTINAL. Identifiers: MedGen C2713442, MONDO:0021056, OMIM 175100. Disease mechanism: loss of function.
Hereditary cancer-predisposing syndrome. Also called: Hereditary neoplastic syndrome; Tumor predisposition; Hereditary Cancer Syndrome; Neoplastic Syndromes, Hereditary. Identifiers: Orphanet 140162, MedGen C0027672, MeSH D009386, MONDO:0015356.

Submissions (2):

Ambry Genetics
Classification: Pathogenic for Hereditary cancer-predisposing syndrome. Last evaluated: 2023-10-28. Review status: criteria provided, single submitter. Criteria: Ambry Variant Classification Scheme 2023. Collection method: clinical testing. Allele origin: germline.
Comment: The c.1312+3A>T intronic pathogenic mutation results from an A to T substitution 3 nucleotides after coding exon 9 in the APC gene. This alteration has been observed in at least one individual with a personal and/or family history that is consistent with APC-related disease (Ambry internal data). Other alterations impacting the same donor site (c.1312+3A>C, c.1312+5G>A and c.1312+5G>C) have been identified in individuals with clinical diagnoses of familial adenomatous polyposis (FAP) and attenuated FAP (Ambry internal data; Aretz et al. Hum Mutat. 2004 Nov;24(5):370-80; Mihalatos M et al. BMC Cancer 2005 Apr;5:40; Kerr SE. J Mol Diagn . 2013 Jan;15(1):31-43; Schwarzova et al. Fam Cancer. 2013 Mar;12(1):35-42). This nucleotide position is well conserved in available vertebrate species. In silico splice site analysis predicts that this alteration will weaken the native splice donor site. Based on the supporting evidence, this alteration is interpreted as a disease-causing mutation.

Myriad Genetics, Inc.
Classification: Likely pathogenic for Familial adenomatous polyposis 1. Last evaluated: 2023-05-01. Review status: criteria provided, single submitter. Criteria: Myriad Autosomal Dominant, Autosomal Recessive and X-Linked Classification Criteria (2023). Collection method: clinical testing. Allele origin: unknown.
Comment: This variant is considered likely pathogenic. This variant has been reported in multiple individuals with clinical features of gene-specific disease [PMID: 8125478]. Functional studies indicate this variant impacts protein function [PMID: 8125478, 15833136].

Literature cited by the submitters: PubMed 8125478 (cited by Myriad Genetics, Inc.); PubMed 15833136 (cited by Myriad Genetics, Inc.).

NM_000038.6(APC):c.1312+3A>T

Gene: APC (APC regulator of Wnt signaling pathway; plus strand). Cytogenetic location: 5q22.2.
Variant type: single nucleotide variant.
Coding change: c.1312+3A>T on transcript NM_000038.6 (MANE Select); 3 bases into the intron after coding-DNA position 1312, A replaced by T.
Molecular consequence: intron variant.
Genome position (GRCh38, 1-based): chr5:112,819,347, A>T. VCF-style: chr5-112819347-A-T. GRCh37 (hg19) VCF-style: chr5-112155044-A-T.
Other names: c.1312+3A>T (NM_000038.5, NM_001407447.1, NM_001354895.2 and 5 more transcripts); c.463+3A>T (NM_001407470.1, NM_001354906.2); c.160+3A>T (NM_001407472.1, NM_001407471.1); c.1009+3A>T (NM_001407456.1, NM_001407460.1, NM_001407457.1 and 5 more transcripts); c.1228+3A>T (NM_001407452.1, NM_001354899.2); c.925+3A>T (NM_001407469.1, NM_001407467.1); c.1342+3A>T (NM_001407446.1, NM_001354897.2); c.1039+3A>T (NM_001354902.2); and 5 more.
Identifiers: ClinVar variation 2583869 (VCV002583869.3), dbSNP rs863225311, ClinGen allele CA2582341288.